The following is an entry in ClinVar:

ClinVar aggregate classification (germline): Uncertain significance (1 of 4 stars; one submission).

Submission:

GeneDx
Classification: Uncertain significance. Last evaluated: 2025-01-21. Review status: criteria provided, single submitter. Criteria: GeneDx Variant Classification Process June 2021. Collection method: clinical testing. Allele origin: germline. Affected: yes.
Comment: Not observed at significant frequency in large population cohorts (gnomAD); Missense variants in this gene are a common cause of disease and they are underrepresented in the general population; In silico analysis indicates that this missense variant does not alter protein structure/function; Has not been previously published as pathogenic or benign to our knowledge

NM_005633.4(SOS1):c.3409T>A (p.Ser1137Thr)

Gene: SOS1 (SOS Ras/Rac guanine nucleotide exchange factor 1; minus strand). Cytogenetic location: 2p22.1.
Variant type: single nucleotide variant.
Coding change: c.3409T>A on transcript NM_005633.4 (MANE Select); coding-DNA position 3409, T replaced by A.
Protein change: p.Ser1137Thr; replaces serine 1137 with threonine.
Molecular consequence: missense variant.
Genome position (GRCh38, 1-based): chr2:38,987,574, A>T on the plus strand (T>A on the coding strand, the complement: SOS1 is on the minus strand). VCF-style: chr2-38987574-A-T. GRCh37 (hg19) VCF-style: chr2-39214715-A-T.
Other names: c.3388T>A, p.Ser1130Thr (NM_001382394.1); c.3364T>A, p.Ser1122Thr (NM_001382395.1); short protein forms S1122T, S1130T, S1137T.
Identifiers: ClinVar variation 4070891 (VCV004070891.1).